The following is an entry in ClinVar:

NC_000019.9:g.(?_17937552)_(17937739_?)dup

Gene: JAK3 (Janus kinase 3; minus strand). Cytogenetic location: 19p13.11.
Variant type: Duplication.
Identifiers: ClinVar variation 1440766 (VCV001440766.4).

ClinVar aggregate classification (germline): Uncertain significance (1 of 4 stars; one submission).

Conditions:
T-B+ severe combined immunodeficiency due to JAK3 deficiency. Also called: SCID, autosomal recessive, T-negative/B-positive type; SCID, T CELL-NEGATIVE, B CELL-POSITIVE, NK CELL-NEGATIVE. Identifiers: Orphanet 35078, MedGen C1833275, MONDO:0010938, OMIM 600802.

Submission:

Labcorp Genetics (formerly Invitae), Labcorp
Classification: Uncertain significance for T-B+ severe combined immunodeficiency due to JAK3 deficiency. Last evaluated: 2022-09-28. Review status: criteria provided, single submitter. Criteria: Invitae Variant Classification Sherloc (09022015). Collection method: clinical testing. Allele origin: germline.
Comment: This variant results in a copy number gain of the genomic region encompassing exon(s) 24 of the JAK3 gene. This region includes the termination codon of the gene. This copy number gain extends beyond the assayed region for this gene and therefore may encompass additional genes. As the precise location of this event is unknown, it may be in tandem or it may be located elsewhere in the genome. This variant has not been reported in the literature in individuals affected with JAK3-related conditions. Experimental studies and prediction algorithms are not available or were not evaluated, and the functional significance of this variant is currently unknown. In summary, the available evidence is currently insufficient to determine the role of this variant in disease. Therefore, it has been classified as a Variant of Uncertain Significance.